The following is an entry in ClinVar:

ClinVar aggregate classification (germline): Likely benign. Review status: criteria provided, multiple submitters, no conflicts (2 of 4 stars). 2 submissions from 2 submitters: Likely benign (2). Last evaluated 2026-01-18.

Allele frequency attached by ClinVar (database versions not stated): gnomAD exomes 0.00003; ExAC 0.00004; gnomAD 0.00006; TOPMed 0.00006.
gnomAD v4.1: 51 of 1,569,290 alleles (0.0032%); highest among the groups gnomAD compares: Non-Finnish European, 0.0044%; no homozygotes.

Submissions (2):

Labcorp Genetics (formerly Invitae), Labcorp
Classification: Likely benign. Last evaluated: 2026-01-18. Review status: criteria provided, single submitter. Criteria: Invitae Variant Classification Sherloc (09022015). Collection method: clinical testing. Allele origin: germline.

CeGaT Center for Human Genetics Tuebingen
Classification: Likely benign. Last evaluated: 2022-11-01. Review status: criteria provided, single submitter. Criteria: CeGaT Center For Human Genetics Tuebingen Variant Classification Criteria Version 2. Collection method: clinical testing. Allele origin: germline. Affected: yes. Observed: 2 variant alleles.
Comment: HIVEP2: BP4

NM_006734.4(HIVEP2):c.6525A>G (p.Arg2175=)

Gene: HIVEP2 (HIVEP zinc finger 2; minus strand). Cytogenetic location: 6q24.2.
Variant type: single nucleotide variant.
Coding change: c.6525A>G on transcript NM_006734.4 (MANE Select); coding-DNA position 6525, A replaced by G.
Protein change: p.Arg2175=; no amino-acid change (arginine 2175 retained).
Molecular consequence: synonymous variant.
Genome position (GRCh38, 1-based): chr6:142,753,923, T>C on the plus strand (A>G on the coding strand, the complement: HIVEP2 is on the minus strand). VCF-style: chr6-142753923-T-C. GRCh37 (hg19) VCF-style: chr6-143075060-T-C.
Identifiers: ClinVar variation 2656949 (VCV002656949.26), dbSNP rs768105616, ClinGen allele CA4027659.
Genomic context (GRCh38, chr6:142,753,923, plus strand): 5'-TTCATAAGCACCTTCTTGGTCTCCATAGAGACTGAAGTAAGGAACCTGAGGTAATCCTCT[T>C]CTTAAATTCTGCGCAGAGAAACAAAGAGAGCACAAAATTCAGAGCCTGCTACGCTTCATT-3'
Protein context (NP_006725.3, residues 2165-2185): EPIVLGPPNL[Arg2175=]RGLPQVPYFS